The following is an entry in ClinVar:

ClinVar aggregate classification (germline): Uncertain significance (1 of 4 stars; one submission).

Submission:

Labcorp Genetics (formerly Invitae), Labcorp
Classification: Uncertain significance. Last evaluated: 2025-05-11. Review status: criteria provided, single submitter. Criteria: Invitae Variant Classification Sherloc (09022015). Collection method: clinical testing. Allele origin: germline.
Comment: This sequence change creates a premature translational stop signal (p.Ser1503Argfs*7) in the NIN gene. It is expected to result in an absent or disrupted protein product. However, the current clinical and genetic evidence is not sufficient to establish whether loss-of-function variants in NIN cause disease. This variant is not present in population databases (gnomAD no frequency). This variant has not been reported in the literature in individuals affected with NIN-related conditions. In summary, the available evidence is currently insufficient to determine the role of this variant in disease. Therefore, it has been classified as a Variant of Uncertain Significance.

NM_020921.4(NIN):c.4509_4510del (p.Ser1503fs)

Gene: NIN (ninein; minus strand). Cytogenetic location: 14q22.1.
Variant type: Deletion.
Coding change: c.4509_4510del on transcript NM_020921.4 (MANE Select); coding-DNA positions 4509 to 4510, 2 bases deleted (TG; older notation c.4509_4510delTG).
Protein change: p.Ser1503fs; shifts the reading frame from serine 1503.
Molecular consequence: frameshift variant. On other transcripts: intron variant (1).
Genome position (GRCh38, 1-based): chr14:50,756,520-50,756,521, CA deleted on the plus strand (TG on the coding strand, the reverse complement: NIN is on the minus strand); deleting any 2 consecutive bases within chr14:50,756,520-50,756,522 gives the same sequence; the c. name uses the placement nearest the transcript's 3' end. VCF-style (leftmost placement, unchanged base first): chr14-50756519-TCA-T. GRCh37 (hg19) VCF-style: chr14-51223237-TCA-T.
Other names: c.4509_4510del, p.Ser1503fs (NM_182944.3, NM_182946.2); c.2400-1654_2400-1653del (NM_016350.5); short protein forms S1503fs.
Identifiers: ClinVar variation 4781540 (VCV004781540.1).